The following is an entry in ClinVar:

ClinVar aggregate classification (germline): Pathogenic. Review status: criteria provided, multiple submitters, no conflicts (2 of 4 stars). 2 submissions from 2 submitters: Pathogenic (2). Last evaluated 2024-04-13.

Conditions:
Lynch syndrome 5 (LYNCH5). Also called: Hereditary non-polyposis colorectal cancer, type 5; Colorectal cancer, hereditary nonpolyposis, type 5. Identifiers: Orphanet 144, MedGen C1833477, MONDO:0013710, OMIM 614350. Disease mechanism: loss of function.
Hereditary nonpolyposis colorectal neoplasms. Identifiers: MedGen C0009405, MeSH D003123.

Submissions (2):

Labcorp Genetics (formerly Invitae), Labcorp
Classification: Pathogenic for Hereditary nonpolyposis colorectal neoplasms. Last evaluated: 2024-04-13. Review status: criteria provided, single submitter. Criteria: Invitae Variant Classification Sherloc (09022015). Collection method: clinical testing. Allele origin: germline.
Comment: This sequence change creates a premature translational stop signal (p.Gln958Hisfs*11) in the MSH6 gene. It is expected to result in an absent or disrupted protein product. Loss-of-function variants in MSH6 are known to be pathogenic (PMID: 18269114, 24362816). This variant is not present in population databases (gnomAD no frequency). This variant has not been reported in the literature in individuals affected with MSH6-related conditions. For these reasons, this variant has been classified as Pathogenic.

Myriad Genetics, Inc.
Classification: Pathogenic for Lynch syndrome 5. Last evaluated: 2023-08-21. Review status: criteria provided, single submitter. Criteria: Myriad Autosomal Dominant, Autosomal Recessive and X-Linked Classification Criteria (2023). Collection method: clinical testing. Allele origin: unknown.
Comment: This variant is considered pathogenic. This variant creates a frameshift predicted to result in premature protein truncation.

Literature cited by the submitters: PubMed 18269114 (cited by Labcorp Genetics (formerly Invitae), Labcorp); PubMed 24362816 (cited by Labcorp Genetics (formerly Invitae), Labcorp).

NM_000179.3(MSH6):c.2872_2873dup (p.Gln958fs)

Gene: MSH6 (mutS homolog 6; plus strand). Cytogenetic location: 2p16.3.
Variant type: Duplication.
Coding change: c.2872_2873dup on transcript NM_000179.3 (MANE Select); coding-DNA positions 2872 to 2873, 2 bases duplicated (CA; older notation c.2872_2873dupCA).
Protein change: p.Gln958fs; shifts the reading frame from glutamine 958.
Molecular consequence: frameshift variant. On other transcripts: non-coding transcript variant (5), intron variant (2).
Genome position (GRCh38, 1-based): chr2:47,800,855-47,800,856, CA duplicated; duplicating any 2 consecutive bases within chr2:47,800,854-47,800,856 gives the same sequence; the c. name uses the placement nearest the transcript's 3' end. VCF-style (leftmost placement, unchanged base first): chr2-47800853-A-AAC. GRCh37 (hg19) VCF-style: chr2-48027992-A-AAC.
Other names: c.2575_2576dup, p.Gln859fs (NM_001406825.1, NM_001406827.1, NM_001406828.1 and 10 more transcripts); c.2704_2705dup, p.Gln902fs (NM_001406826.1); c.1966_1967dup, p.Gln656fs (NM_001406829.1, NM_001281493.2, NM_001281494.2 and 6 more transcripts); c.817_818dup, p.Gln273fs (NM_001407362.1); c.2482_2483dup, p.Gln828fs (NM_001281492.2); c.2968_2969dup, p.Gln990fs (NM_001406795.1, NM_001406802.1); c.2872_2873dup, p.Gln958fs (NM_001406796.1, NM_001406798.1, NM_001406800.1 and 2 more transcripts); c.2347_2348dup, p.Gln783fs (NM_001406799.1, NM_001406806.1, NM_001406807.1); and 4 more; short protein forms Q273fs, Q656fs, Q783fs, Q828fs, Q859fs, Q902fs, Q932fs, Q958fs.
Identifiers: ClinVar variation 2673752 (VCV002673752.4), dbSNP rs2530698797, ClinGen allele CA2695200589.